The following is an entry in ClinVar:

NM_182760.4(SUMF1):c.1077G>A (p.Ser359=)

Gene: SUMF1 (sulfatase modifying factor 1; minus strand). Cytogenetic location: 3p26.1.
Variant type: single nucleotide variant.
Coding change: c.1077G>A on transcript NM_182760.4 (MANE Select); coding-DNA position 1077, G replaced by A.
Protein change: p.Ser359=; no amino-acid change (serine 359 retained).
Molecular consequence: synonymous variant.
Genome position (GRCh38, 1-based): chr3:4,362,192, C>T on the plus strand (G>A on the coding strand, the complement: SUMF1 is on the minus strand). VCF-style: chr3-4362192-C-T. GRCh37 (hg19) VCF-style: chr3-4403876-C-T.
Other names: c.1002G>A, p.Ser334= (NM_001164674.2); c.1017G>A, p.Ser339= (NM_001164675.2).
Identifiers: ClinVar variation 459635 (VCV000459635.42), dbSNP rs140751492, ClinGen allele CA2230323.

ClinVar aggregate classification (germline): Benign/Likely benign. Review status: criteria provided, multiple submitters, no conflicts (2 of 4 stars). 7 submissions from 7 submitters: Benign (1); Likely benign (4). 2 of the submissions do not count toward it. Last evaluated 2026-02-01.

Conditions:
Multiple sulfatase deficiency (MSD). Also called: Mucosulfatidosis; Sulfatidosis, Juvenile, Austin Type; Multiple Sulfatase Deficiency Disease. Identifiers: Orphanet 585, MedGen C0268263, MONDO:0010088, OMIM 272200.
SUMF1-related disorder. Also called: SUMF1-related condition.

Allele frequency attached by ClinVar (database versions not stated): gnomAD exomes 0.00030 and 0.00073; ExAC 0.00086; 1000 Genomes Project 30x 0.00203; 1000 Genomes Project 0.00220; gnomAD 0.00259 and 0.00285; TOPMed 0.00295; ESP Exome Variant Server 0.00331.
gnomAD v4.1: 842 of 1,614,192 alleles (0.052%); highest among the groups gnomAD compares: African/African-American, 0.99%; 4 homozygotes.

Submissions (7):

Labcorp Genetics (formerly Invitae), Labcorp
Classification: Benign for Multiple sulfatase deficiency. Last evaluated: 2026-02-01. Review status: criteria provided, single submitter. Criteria: Invitae Variant Classification Sherloc (09022015). Collection method: clinical testing. Allele origin: germline.

Blueprint Genetics
Classification: Likely benign. Last evaluated: 2024-07-30. Review status: criteria provided, single submitter. Criteria: ACMG Guidelines, 2015. Collection method: clinical testing. Allele origin: germline.

CeGaT Center for Human Genetics Tuebingen
Classification: Likely benign. Last evaluated: 2022-03-01. Review status: criteria provided, single submitter. Criteria: CeGaT Center For Human Genetics Tuebingen Variant Classification Criteria Version 2. Collection method: clinical testing. Allele origin: germline. Affected: yes. Observed: 1 variant allele.
Comment: SUMF1: BP4, BP7

Illumina Laboratory Services, Illumina
Classification: Likely benign for Multiple sulfatase deficiency. Last evaluated: 2018-01-12. Review status: criteria provided, single submitter. Criteria: ICSL Variant Classification Criteria 13 December 2019. Collection method: clinical testing. Allele origin: germline.
Comment: This variant was observed in the ICSL laboratory as part of a predisposition screen in an ostensibly healthy population. It had not been previously curated by ICSL or reported in the Human Gene Mutation Database (HGMD: prior to June 1st, 2018), and was therefore a candidate for classification through an automated scoring system. Utilizing variant allele frequency, disease prevalence and penetrance estimates, and inheritance mode, an automated score was calculated to assess if this variant is too frequent to cause the disease. Based on the score and internal cut-off values, a variant classified as likely benign is not then subjected to further curation. The score for this variant resulted in a classification of likely benign for this disease.

Breakthrough Genomics
Classification: Likely benign. Review status: criteria provided, single submitter. Criteria: ACMG Guidelines, 2015. Collection method: not provided. Allele origin: germline. Inheritance: Autosomal recessive inheritance. Affected: yes.

Natera, Inc.
Classification: Benign for Multiple sulfatase deficiency. Last evaluated: 2020-09-16. Review status: no assertion criteria provided. Collection method: clinical testing. Allele origin: germline. Not counted in ClinVar's aggregate classification.

PreventionGenetics, part of Exact Sciences
Classification: Likely benign for SUMF1-related condition. Last evaluated: 2019-03-25. Review status: no assertion criteria provided. Collection method: clinical testing. Allele origin: germline. Not counted in ClinVar's aggregate classification.
Comment: This variant is classified as likely benign based on ACMG/AMP sequence variant interpretation guidelines (Richards et al. 2015 PMID: 25741868, with internal and published modifications).